The following is an entry in ClinVar:

ClinVar aggregate classification (germline): Uncertain significance (1 of 4 stars; one submission).

Conditions:
Leukodystrophy, hypomyelinating, 20. Identifiers: MedGen C5436730, MONDO:0033657, OMIM 619071.

Submission:

Neuberg Centre For Genomic Medicine, NCGM
Classification: Uncertain significance for Leukodystrophy, hypomyelinating, 20. Review status: criteria provided, single submitter. Criteria: ACMG Guidelines, 2015. Collection method: clinical testing. Allele origin: germline. Affected: yes.
Comment: The missense variant p.A281V in CNP (NM_033133.5) has not been reported previously as a pathogenic variant nor as a benign variant, to our knowledge. The p.A281V variant is novel (not in any individuals) in gnomAD Exomes and is novel (not in any individuals) in 1000 Genomes. There is a small physicochemical difference between alanine and valine, which is not likely to impact secondary protein structure as these residues share similar properties. This variant has not been reported to the ClinVar database. In silico tools predict the variant to be tolerated. The residue is conserved across species. The amino acid change p.Ala281Val in CNP is predicted as conserved by GERP++ and PhyloP across 100 vertebrates. For these reasons, this variant has been classified as Uncertain Significance.

NM_033133.5(CNP):c.842C>T (p.Ala281Val)

Gene: CNP (2'',3''-cyclic nucleotide 3'' phosphodiesterase; plus strand). Cytogenetic location: 17q21.2.
Variant type: single nucleotide variant.
Coding change: c.842C>T on transcript NM_033133.5 (MANE Select); coding-DNA position 842, C replaced by T.
Protein change: p.Ala281Val; replaces alanine 281 with valine.
Molecular consequence: missense variant.
Genome position (GRCh38, 1-based): chr17:41,973,500, C>T. VCF-style: chr17-41973500-C-T. GRCh37 (hg19) VCF-style: chr17-40125518-C-T.
Other names: c.782C>T, p.Ala261Val (NM_001330216.2); short protein forms A261V, A281V.
Identifiers: ClinVar variation 1878567 (VCV001878567.1), dbSNP rs2544758483, ClinGen allele CA399547727.